The following is an entry in ClinVar:

NM_000535.7(PMS2):c.967C>G (p.Leu323Val)

Gene: PMS2 (PMS1 homolog 2, mismatch repair system component; minus strand). Cytogenetic location: 7p22.1.
Variant type: single nucleotide variant.
Coding change: c.967C>G on transcript NM_000535.7 (MANE Select); coding-DNA position 967, C replaced by G.
Protein change: p.Leu323Val; replaces leucine 323 with valine.
Molecular consequence: missense variant. On other transcripts: non-coding transcript variant (1).
Genome position (GRCh38, 1-based): chr7:5,991,994, G>C on the plus strand (C>G on the coding strand, the complement: PMS2 is on the minus strand). VCF-style: chr7-5991994-G-C. GRCh37 (hg19) VCF-style: chr7-6031625-G-C.
Other names: c.562C>G, p.Leu188Val (NM_001322003.2, NM_001322004.2, NM_001322005.2 and 2 more transcripts); c.967C>G, p.Leu323Val (NM_001322006.2, NM_001322014.2); c.649C>G, p.Leu217Val (NM_001322007.2, NM_001322008.2); c.34C>G, p.Leu12Val (NM_001322011.2, NM_001322012.2); c.394C>G, p.Leu132Val (NM_001322013.2); c.658C>G, p.Leu220Val (NM_001322015.2); short protein forms L323V, L132V, L220V, L188V, L12V, L217V.
Identifiers: ClinVar variation 484297 (VCV000484297.14), dbSNP rs1554299391, ClinGen allele CA366743101.
Genomic context (GRCh38, chr7:5,991,994, plus strand): 5'-ATTAGTCACTAGTTGTACTGAAATGCCAATGGAACTTACCTGAATCAACAGAAATGTTAA[G>C]AACAACAAATGGATACTGGTGTCGATTATACATGTGGTAGACCTCATTCACGAGTCTGCA-3'
Protein context (NP_000526.2, residues 313-333): YNRHQYPFVV[Leu323Val]NISVDSECVD

ClinVar aggregate classification (germline): Uncertain significance. Review status: criteria provided, multiple submitters, no conflicts (2 of 4 stars). 5 submissions from 5 submitters: Uncertain significance (5). Last evaluated 2025-01-08.

Conditions:
Lynch syndrome. Identifiers: Orphanet 144, MedGen C4552100, MONDO:0005835. Disease mechanism: loss of function.
Hereditary nonpolyposis colorectal neoplasms. Identifiers: MedGen C0009405, MeSH D003123.
Hereditary cancer-predisposing syndrome. Also called: Neoplastic Syndromes, Hereditary; Tumor predisposition; Hereditary Cancer Syndrome; Hereditary neoplastic syndrome. Identifiers: Orphanet 140162, MedGen C0027672, MeSH D009386, MONDO:0015356.

Allele frequency attached by ClinVar (database versions not stated): gnomAD exomes below 0.00001.
gnomAD v4.1: 4 of 1,590,224 alleles (0.00025%); highest among the groups gnomAD compares: Non-Finnish European, 0.00035%; no homozygotes.

Submissions (5):

Ambry Genetics
Classification: Uncertain significance for Hereditary cancer-predisposing syndrome. Last evaluated: 2025-01-08. Review status: criteria provided, single submitter. Criteria: Ambry Variant Classification Scheme 2023. Collection method: clinical testing. Allele origin: germline.
Comment: The p.L323V variant (also known as c.967C>G), located in coding exon 9 of the PMS2 gene, results from a C to G substitution at nucleotide position 967. The leucine at codon 323 is replaced by valine, an amino acid with highly similar properties. This amino acid position is highly conserved in available vertebrate species. In addition, this alteration is predicted to be deleterious by in silico analysis. Since supporting evidence is limited at this time, the clinical significance of this alteration remains unclear.

All of Us Research Program, National Institutes of Health
Classification: Uncertain significance for Lynch syndrome. Last evaluated: 2024-06-09. Review status: criteria provided, single submitter. Criteria: ACMG Guidelines, 2015. Collection method: clinical testing. Allele origin: germline. Inheritance: Autosomal dominant inheritance. Observed: 2 variant alleles, 2 heterozygotes.
Comment: This missense variant replaces leucine with valine at codon 323 of the PMS2 protein. Computational prediction suggests that this variant may have deleterious impact on protein structure and function (internally defined REVEL score threshold >= 0.7, PMID: 27666373). Splice site prediction tools suggest that this variant may not impact RNA splicing. To our knowledge, functional studies have not been reported for this variant. This variant has not been reported in individuals affected with hereditary cancer in the literature. This variant has not been identified in the general population by the Genome Aggregation Database (gnomAD). The available evidence is insufficient to determine the role of this variant in disease conclusively. Therefore, this variant is classified as a Variant of Uncertain Significance.

This study involves interpretation of variants in research participants for the purpose of population health screening. Participant phenotype was not available at the time of variant classification. Additional details can be found in publication PMID: 35346344, PMCID: PMC8962531

Labcorp Genetics (formerly Invitae), Labcorp
Classification: Uncertain significance for Hereditary nonpolyposis colorectal neoplasms. Last evaluated: 2024-04-09. Review status: criteria provided, single submitter. Criteria: Invitae Variant Classification Sherloc (09022015). Collection method: clinical testing. Allele origin: germline.
Comment: This sequence change replaces leucine, which is neutral and non-polar, with valine, which is neutral and non-polar, at codon 323 of the PMS2 protein (p.Leu323Val). This variant is not present in population databases (gnomAD no frequency). This variant has not been reported in the literature in individuals affected with PMS2-related conditions. ClinVar contains an entry for this variant (Variation ID: 484297). Advanced modeling of protein sequence and biophysical properties (such as structural, functional, and spatial information, amino acid conservation, physicochemical variation, residue mobility, and thermodynamic stability) performed at Invitae indicates that this missense variant is not expected to disrupt PMS2 protein function with a negative predictive value of 80%. In summary, the available evidence is currently insufficient to determine the role of this variant in disease. Therefore, it has been classified as a Variant of Uncertain Significance.

Color Diagnostics, LLC DBA Color Health
Classification: Uncertain significance for Hereditary cancer-predisposing syndrome. Last evaluated: 2024-03-06. Review status: criteria provided, single submitter. Criteria: ACMG Guidelines, 2015. Collection method: clinical testing. Allele origin: germline.
Comment: This missense variant replaces leucine with valine at codon 323 of the PMS2 protein. Computational prediction suggests that this variant may have deleterious impact on protein structure and function (internally defined REVEL score threshold >= 0.7, PMID: 27666373). To our knowledge, functional studies have not been reported for this variant. This variant has not been reported in individuals affected with PMS2-related disorders in the literature. This variant has not been identified in the general population by the Genome Aggregation Database (gnomAD). The available evidence is insufficient to determine the role of this variant in disease conclusively. Therefore, this variant is classified as a Variant of Uncertain Significance.

Department of Pathology and Laboratory Medicine, Sinai Health System
Classification: Uncertain significance for Lynch syndrome. Last evaluated: 2024-02-27. Review status: criteria provided, single submitter. Criteria: ACMG Guidelines, 2015. Collection method: clinical testing. Allele origin: germline. Affected: yes.